The following is an entry in ClinVar:

ClinVar aggregate classification (germline): Benign/Likely benign. Review status: criteria provided, multiple submitters, no conflicts (2 of 4 stars). 5 submissions from 5 submitters: Benign (2); Likely benign (3). Last evaluated 2026-02-01.

Conditions:
Xeroderma pigmentosum group B. Also called: XPB/CS; XERODERMA PIGMENTOSUM B/COCKAYNE SYNDROME; ERCC3-Related Xeroderma Pigmentosum; XP, GROUP B. Identifiers: MedGen C0268136, MONDO:0012531, OMIM 610651.

Allele frequency attached by ClinVar (database versions not stated): gnomAD exomes 0.00127 and 0.00329; ExAC 0.00436; 1000 Genomes Project 0.01218; gnomAD 0.01324 and 0.01434; 1000 Genomes Project 30x 0.01390; ESP Exome Variant Server 0.01430; TOPMed 0.01498.
gnomAD v4.1: 3,942 of 1,613,830 alleles (0.24%); highest among the groups gnomAD compares: African/African-American, 4.6%; 72 homozygotes.

Submissions (5):

Labcorp Genetics (formerly Invitae), Labcorp
Classification: Benign. Last evaluated: 2026-02-01. Review status: criteria provided, single submitter. Criteria: Invitae Variant Classification Sherloc (09022015). Collection method: clinical testing. Allele origin: germline.

KCCC/NGS Laboratory, Kuwait Cancer Control Center
Classification: Likely benign for Xeroderma pigmentosum group B. Last evaluated: 2023-07-07. Review status: criteria provided, single submitter. Criteria: ACMG Guidelines, 2015. Collection method: clinical testing. Allele origin: germline. Affected: yes.

GeneDx
Classification: Likely benign. Last evaluated: 2020-11-24. Review status: criteria provided, single submitter. Criteria: GeneDx Variant Classification Process June 2021. Collection method: clinical testing. Allele origin: germline. Affected: yes.

Illumina Laboratory Services, Illumina
Classification: Benign for Xeroderma pigmentosum group B. Last evaluated: 2018-01-12. Review status: criteria provided, single submitter. Criteria: ICSL Variant Classification Criteria 13 December 2019. Collection method: clinical testing. Allele origin: germline.
Comment: This variant was observed in the ICSL laboratory as part of a predisposition screen in an ostensibly healthy population. It had not been previously curated by ICSL or reported in the Human Gene Mutation Database (HGMD: prior to June 1st, 2018), and was therefore a candidate for classification through an automated scoring system. Utilizing variant allele frequency, disease prevalence and penetrance estimates, and inheritance mode, an automated score was calculated to assess if this variant is too frequent to cause the disease. Based on the score and internal cut-off values, a variant classified as benign is not then subjected to further curation. The score for this variant resulted in a classification of benign for this disease.

Breakthrough Genomics
Classification: Likely benign. Review status: criteria provided, single submitter. Criteria: ACMG Guidelines, 2015. Collection method: not provided. Allele origin: germline. Inheritance: Autosomal recessive inheritance. Affected: yes.

NM_000122.2(ERCC3):c.1485G>A (p.Glu495=)

Gene: ERCC3 (ERCC excision repair 3, TFIIH core complex helicase subunit; minus strand). Cytogenetic location: 2q14.3.
Variant type: single nucleotide variant.
Coding change: c.1485G>A on transcript NM_000122.2 (MANE Select); coding-DNA position 1485, G replaced by A.
Protein change: p.Glu495=; no amino-acid change (glutamic acid 495 retained).
Molecular consequence: synonymous variant.
Genome position (GRCh38, 1-based): chr2:127,280,489, C>T on the plus strand (G>A on the coding strand, the complement: ERCC3 is on the minus strand). VCF-style: chr2-127280489-C-T. GRCh37 (hg19) VCF-style: chr2-128038065-C-T.
Other names: c.1293G>A, p.Glu431= (NM_001303416.2, NM_001303418.2).
Identifiers: ClinVar variation 331079 (VCV000331079.19), dbSNP rs4150456, ClinGen allele CA1858262.